The following is an entry in ClinVar:

NM_005228.5(EGFR):c.917C>T (p.Ser306Leu)

Gene: EGFR (epidermal growth factor receptor; plus strand). Cytogenetic location: 7p11.2.
Variant type: single nucleotide variant.
Coding change: c.917C>T on transcript NM_005228.5 (MANE Select); coding-DNA position 917, C replaced by T.
Protein change: p.Ser306Leu; replaces serine 306 with leucine.
Molecular consequence: missense variant.
Genome position (GRCh38, 1-based): chr7:55,155,857, C>T. VCF-style: chr7-55155857-C-T. GRCh37 (hg19) VCF-style: chr7-55223550-C-T.
Other names: c.782C>T, p.Ser261Leu (NM_001346897.2, NM_001346899.2); c.917C>T, p.Ser306Leu (NM_001346898.2, NM_201282.2, NM_201283.2 and 1 more transcripts); c.758C>T, p.Ser253Leu (NM_001346900.2); c.116C>T, p.Ser39Leu (NM_001346941.2); c.917C>T (NM_005228.3); short protein forms S261L, S306L, S39L, S253L.
Identifiers: ClinVar variation 1046987 (VCV001046987.10), dbSNP rs1785384107, ClinGen allele CA367577975.

ClinVar aggregate classification (germline): Uncertain significance. Review status: criteria provided, multiple submitters, no conflicts (2 of 4 stars). 2 submissions from 2 submitters: Uncertain significance (2). Last evaluated 2025-04-24.

Conditions:
Hereditary cancer-predisposing syndrome. Also called: Hereditary Cancer Syndrome; Tumor predisposition; Hereditary neoplastic syndrome; Neoplastic Syndromes, Hereditary. Identifiers: Orphanet 140162, MedGen C0027672, MeSH D009386, MONDO:0015356.
EGFR-related lung cancer (EGFR). Identifiers: MedGen CN130014.

Allele frequency attached by ClinVar (database versions not stated): gnomAD exomes below 0.00001.
gnomAD v4.1: 3 of 1,613,984 alleles (0.00019%); highest among the groups gnomAD compares: Non-Finnish European, 0.00017%; no homozygotes.

Submissions (2):

Ambry Genetics
Classification: Uncertain significance for Hereditary cancer-predisposing syndrome. Last evaluated: 2025-04-24. Review status: criteria provided, single submitter. Criteria: Ambry Variant Classification Scheme 2023. Collection method: clinical testing. Allele origin: germline.
Comment: The p.S306L variant (also known as c.917C>T), located in coding exon 8 of the EGFR gene, results from a C to T substitution at nucleotide position 917. The serine at codon 306 is replaced by leucine, an amino acid with dissimilar properties. This amino acid position is well conserved in available vertebrate species. In addition, the in silico prediction for this alteration is inconclusive. Based on the available evidence, the clinical significance of this variant remains unclear.

Labcorp Genetics (formerly Invitae), Labcorp
Classification: Uncertain significance for EGFR-related lung cancer. Last evaluated: 2025-01-14. Review status: criteria provided, single submitter. Criteria: Invitae Variant Classification Sherloc (09022015). Collection method: clinical testing. Allele origin: germline.
Comment: This sequence change replaces serine, which is neutral and polar, with leucine, which is neutral and non-polar, at codon 306 of the EGFR protein (p.Ser306Leu). This variant is not present in population databases (gnomAD no frequency). This variant has not been reported in the literature in individuals affected with EGFR-related conditions. ClinVar contains an entry for this variant (Variation ID: 1046987). Invitae Evidence Modeling of protein sequence and biophysical properties (such as structural, functional, and spatial information, amino acid conservation, physicochemical variation, residue mobility, and thermodynamic stability) has been performed for this missense variant. However, the output from this modeling did not meet the statistical confidence thresholds required to predict the impact of this variant on EGFR protein function. In summary, the available evidence is currently insufficient to determine the role of this variant in disease. Therefore, it has been classified as a Variant of Uncertain Significance.